The following is an entry in ClinVar:

NM_152783.5(D2HGDH):c.1082C>T (p.Ala361Val)

Gene: D2HGDH (D-2-hydroxyglutarate dehydrogenase; plus strand). Cytogenetic location: 2q37.3.
Variant type: single nucleotide variant.
Coding change: c.1082C>T on transcript NM_152783.5 (MANE Select); coding-DNA position 1082, C replaced by T.
Protein change: p.Ala361Val; replaces alanine 361 with valine.
Molecular consequence: missense variant.
Genome position (GRCh38, 1-based): chr2:241,751,330, C>T. VCF-style: chr2-241751330-C-T. GRCh37 (hg19) VCF-style: chr2-242690745-C-T.
Other names: c.680C>T, p.Ala227Val (NM_001287249.2); c.521C>T, p.Ala174Val (NM_001352824.2); short protein forms A361V, A227V, A174V.
Identifiers: ClinVar variation 158406 (VCV000158406.24), dbSNP rs1105273, ClinGen allele CA171816.
Genomic context (GRCh38, chr2:241,751,330, plus strand): 5'-AGACTTCAGGCTCCAACGCAGGCCATGACGCTGAGAAGCTGGGCCACTTCCTGGAGCACG[C>T]GCTGGGCTCCGGCCTGGTGACCGATGGGACCATGGCCACCGACCAGAGGAAAGTCAAGGT-3'
Protein context (NP_689996.4, residues 351-371): AEKLGHFLEH[Ala361Val]LGSGLVTDGT

ClinVar aggregate classification (germline): Benign/Likely benign. Review status: criteria provided, multiple submitters, no conflicts (2 of 4 stars). 7 submissions from 7 submitters: Benign (4); Likely benign (2). 1 of the submissions does not count toward it. Last evaluated 2026-02-02.

Conditions:
D-2-hydroxyglutaric aciduria 1 (D2HGA1). Identifiers: Orphanet 79315, MedGen C3152055, MONDO:0024554, OMIM 600721.

Allele frequency attached by ClinVar (database versions not stated): gnomAD exomes 0.12689 and 0.16170; ExAC 0.15594; ESP Exome Variant Server 0.16002; gnomAD 0.17767 and 0.17904; TOPMed 0.19352; 1000 Genomes Project 0.21526; 1000 Genomes Project 30x 0.22002.
gnomAD v4.1: 213,097 of 1,613,572 alleles (13%); highest among the groups gnomAD compares: Admixed American, 31%; 16,826 homozygotes.

Submissions (7):

Labcorp Genetics (formerly Invitae), Labcorp
Classification: Benign for D-2-hydroxyglutaric aciduria 1. Last evaluated: 2026-02-02. Review status: criteria provided, single submitter. Criteria: Invitae Variant Classification Sherloc (09022015). Collection method: clinical testing. Allele origin: germline.

Blueprint Genetics
Classification: Benign. Last evaluated: 2024-11-26. Review status: criteria provided, single submitter. Criteria: ACMG Guidelines, 2015. Collection method: clinical testing. Allele origin: germline.

GeneDx
Classification: Benign. Last evaluated: 2021-05-04. Review status: criteria provided, single submitter. Criteria: GeneDx Variant Classification Process June 2021. Collection method: clinical testing. Allele origin: germline. Affected: yes.

Illumina Laboratory Services, Illumina
Classification: Benign for D-2-hydroxyglutaric aciduria 1. Last evaluated: 2018-01-13. Review status: criteria provided, single submitter. Criteria: ICSL Variant Classification Criteria 13 December 2019. Collection method: clinical testing. Allele origin: germline.
Comment: This variant was observed in the ICSL laboratory as part of a predisposition screen in an ostensibly healthy population. It had not been previously curated by ICSL or reported in the Human Gene Mutation Database (HGMD: prior to June 1st, 2018), and was therefore a candidate for classification through an automated scoring system. Utilizing variant allele frequency, disease prevalence and penetrance estimates, and inheritance mode, an automated score was calculated to assess if this variant is too frequent to cause the disease. Based on the score and internal cut-off values, a variant classified as benign is not then subjected to further curation. The score for this variant resulted in a classification of benign for this disease.

Genetic Services Laboratory, University of Chicago
Classification: Likely benign. Last evaluated: 2013-10-31. Review status: criteria provided, single submitter. Criteria: ACMG Guidelines, 2007. Collection method: clinical testing. Allele origin: germline. Inheritance: Autosomal recessive inheritance.
Comment: Likely benign based on allele frequency in 1000 Genomes Project or ESP global frequency and its presence in a patient with a rare or unrelated disease phenotype. NOT Sanger confirmed

Breakthrough Genomics
Classification: Likely benign. Review status: criteria provided, single submitter. Criteria: ACMG Guidelines, 2015. Collection method: not provided. Allele origin: germline. Inheritance: Autosomal recessive inheritance. Affected: yes.

Mayo Clinic Laboratories, Mayo Clinic
Classification: Benign. Last evaluated: 2016-02-23. Review status: no assertion criteria provided. Collection method: clinical testing. Allele origin: unknown. Not counted in ClinVar's aggregate classification.